The following is an entry in ClinVar:

ClinVar aggregate classification (germline): Likely benign (1 of 4 stars; one submission).

Submission:

CeGaT Center for Human Genetics Tuebingen
Classification: Likely benign. Last evaluated: 2025-04-01. Review status: criteria provided, single submitter. Criteria: CeGaT Center For Human Genetics Tuebingen Variant Classification Criteria Version 2. Collection method: clinical testing. Allele origin: germline. Affected: yes. Observed: 1 variant allele.
Comment: ZFHX3: PM2:Supporting, BP4, BP7

NM_006885.4(ZFHX3):c.7074G>A (p.Glu2358=)

Genes: ZFHX3 (zinc finger homeobox 3; minus strand), ZFHX3-AS1 (ZFHX3 antisense RNA 1; plus strand). Cytogenetic location: 16q22.2.
Variant type: single nucleotide variant.
Coding change: c.7074G>A on transcript NM_006885.4 (MANE Select); coding-DNA position 7074, G replaced by A.
Protein change: p.Glu2358=; no amino-acid change (glutamic acid 2358 retained).
Molecular consequence: synonymous variant.
Genome position (GRCh38, 1-based): chr16:72,795,608, C>T on the plus strand (G>A on the coding strand, the complement: ZFHX3 is on the minus strand). VCF-style: chr16-72795608-C-T. GRCh37 (hg19) VCF-style: chr16-72829507-C-T.
Other names: c.4332G>A, p.Glu1444= (NM_001164766.2); c.7074G>A, p.Glu2358= (NM_001386735.1).
Identifiers: ClinVar variation 3898597 (VCV003898597.7).